The following is an entry in ClinVar:

ClinVar aggregate classification (germline): Uncertain significance (1 of 4 stars; one submission).

Conditions:
Dyskeratosis congenita, autosomal recessive 5 (DKCB5). Identifiers: MedGen C3554656, MONDO:0014076, OMIM 615190.
Pulmonary fibrosis and/or bone marrow failure, Telomere-related, 3. Also called: PULMONARY FIBROSIS AND/OR BONE MARROW FAILURE SYNDROME, TELOMERE-RELATED, 3. Identifiers: Orphanet 2032, MedGen C4225346, MONDO:0014613, OMIM 616373.

Allele frequency attached by ClinVar (database versions not stated): TOPMed below 0.00001.

Submission:

Labcorp Genetics (formerly Invitae), Labcorp
Classification: Uncertain significance for Dyskeratosis congenita, autosomal recessive 5; Pulmonary fibrosis and/or bone marrow failure, Telomere-related, 3. Last evaluated: 2020-09-25. Review status: criteria provided, single submitter. Criteria: Invitae Variant Classification Sherloc (09022015). Collection method: clinical testing. Allele origin: germline.
Comment: This sequence change replaces alanine with threonine at codon 1233 of the RTEL1 protein (p.Ala1233Thr). The alanine residue is weakly conserved and there is a small physicochemical difference between alanine and threonine. This variant is not present in population databases (ExAC no frequency). This variant has not been reported in the literature in individuals with RTEL1-related conditions. Algorithms developed to predict the effect of missense changes on protein structure and function (SIFT, PolyPhen-2, Align-GVGD) all suggest that this variant is likely to be tolerated, but these predictions have not been confirmed by published functional studies and their clinical significance is uncertain. In summary, the available evidence is currently insufficient to determine the role of this variant in disease. Therefore, it has been classified as a Variant of Uncertain Significance.

NM_001283009.2(RTEL1):c.3697G>A (p.Ala1233Thr)

Genes: RTEL1-TNFRSF6B (RTEL1-TNFRSF6B readthrough (NMD candidate); plus strand), RTEL1 (regulator of telomere elongation helicase 1; plus strand). Cytogenetic location: 20q13.33.
Variant type: single nucleotide variant.
Coding change: c.3697G>A on transcript NM_001283009.2 (MANE Select); coding-DNA position 3697, G replaced by A.
Protein change: p.Ala1233Thr; replaces alanine 1233 with threonine.
Molecular consequence: missense variant. On other transcripts: non-coding transcript variant (1), intron variant (3).
Genome position (GRCh38, 1-based): chr20:63,695,525, G>A. VCF-style: chr20-63695525-G-A. GRCh37 (hg19) VCF-style: chr20-62326878-G-A.
Other names: c.2983+45G>A (NM_001283010.1); c.3724+45G>A (NM_032957.5); c.3652+45G>A (NM_016434.4); short protein forms A1233T.
Identifiers: ClinVar variation 1035217 (VCV001035217.9), dbSNP rs2090957083, ClinGen allele CA409686528.